The following is an entry in ClinVar:

Single allele

Gene: NRXN1 (neurexin 1; minus strand). Cytogenetic location: 2p16.3.
Variant type: Deletion.
Identifiers: ClinVar variation 560057 (VCV000560057.3).

ClinVar aggregate classification (germline): Pathogenic (1 of 4 stars; one submission).

Conditions:
Chromosome 2p16.3 deletion syndrome. Identifiers: MedGen C3808494, MONDO:0013696, OMIM 614332.

Submission:

Geisinger Autism and Developmental Medicine Institute, Geisinger Health System
Classification: Pathogenic for Chromosome 2p16.3 deletion syndrome. Last evaluated: 2017-07-29. Review status: criteria provided, single submitter. Criteria: ACMG CNV Guidelines, 2011. Collection method: provider interpretation. Allele origin: unknown. Affected: yes.
Comment: Parental testing was not completed.

Literature cited by the submitters: PubMed 23495017; PubMed 18179900; PubMed 18945720.